The following is an entry in ClinVar:

NM_001754.5(RUNX1):c.1273C>T (p.Pro425Ser)

Gene: RUNX1 (RUNX family transcription factor 1; minus strand). Cytogenetic location: 21q22.12.
Variant type: single nucleotide variant.
Coding change: c.1273C>T on transcript NM_001754.5 (MANE Select); coding-DNA position 1273, C replaced by T.
Protein change: p.Pro425Ser; replaces proline 425 with serine.
Molecular consequence: missense variant.
Genome position (GRCh38, 1-based): chr21:34,792,305, G>A on the plus strand (C>T on the coding strand, the complement: RUNX1 is on the minus strand). VCF-style: chr21-34792305-G-A. GRCh37 (hg19) VCF-style: chr21-36164602-G-A.
Other names: c.1192C>T, p.Pro398Ser (NM_001001890.3); short protein forms P398S, P425S.
Identifiers: ClinVar variation 4863663 (VCV004863663.1).

ClinVar aggregate classification (germline): Uncertain significance (1 of 4 stars; one submission).

Conditions:
Inborn genetic diseases. Identifiers: MedGen C0950123, MeSH D030342.

Submission:

Ambry Genetics
Classification: Uncertain significance for Inborn genetic diseases. Last evaluated: 2026-06-02. Review status: criteria provided, single submitter. Criteria: Ambry Variant Classification Scheme 2023. Collection method: clinical testing. Allele origin: germline.
Comment: The p.P425S variant (also known as c.1273C>T), located in coding exon 8 of the RUNX1 gene, results from a C to T substitution at nucleotide position 1273. The proline at codon 425 is replaced by serine, an amino acid with similar properties. This amino acid position is conserved. In addition, the in silico prediction for this alteration is inconclusive. Based on the available evidence, the clinical significance of this variant remains unclear.